The following is an entry in ClinVar:

ClinVar aggregate classification (germline): Uncertain significance (1 of 4 stars; one submission).

Allele frequency attached by ClinVar (database versions not stated): gnomAD exomes below 0.00001.
gnomAD v4.1: 1 of 1,613,838 alleles (0.000062%); highest among the groups gnomAD compares: Non-Finnish European, 0.000085%; no homozygotes.

Submission:

Labcorp Genetics (formerly Invitae), Labcorp
Classification: Uncertain significance. Last evaluated: 2022-03-28. Review status: criteria provided, single submitter. Criteria: Invitae Variant Classification Sherloc (09022015). Collection method: clinical testing. Allele origin: germline.
Comment: Algorithms developed to predict the effect of missense changes on protein structure and function (SIFT, PolyPhen-2, Align-GVGD) all suggest that this variant is likely to be disruptive. This variant has not been reported in the literature in individuals affected with HMCN1-related conditions. This variant is not present in population databases (gnomAD no frequency). This sequence change replaces cysteine, which is neutral and slightly polar, with tyrosine, which is neutral and polar, at codon 5503 of the HMCN1 protein (p.Cys5503Tyr). In summary, the available evidence is currently insufficient to determine the role of this variant in disease. Therefore, it has been classified as a Variant of Uncertain Significance.

NM_031935.3(HMCN1):c.16508G>A (p.Cys5503Tyr)

Genes: HMCN1 (hemicentin 1; plus strand), LOC126805953 (P300/CBP strongly-dependent group 1 enhancer GRCh37_chr1:186156636-186157835; plus strand). Cytogenetic location: 1q31.1.
Variant type: single nucleotide variant.
Coding change: c.16508G>A on transcript NM_031935.3 (MANE Select); coding-DNA position 16508, G replaced by A.
Protein change: p.Cys5503Tyr; replaces cysteine 5503 with tyrosine.
Molecular consequence: missense variant.
Genome position (GRCh38, 1-based): chr1:186,187,976, G>A. VCF-style: chr1-186187976-G-A. GRCh37 (hg19) VCF-style: chr1-186157108-G-A.
Other names: short protein forms C5503Y.
Identifiers: ClinVar variation 2091168 (VCV002091168.4), dbSNP rs2528299227, ClinGen allele CA343904398.
Genomic context (GRCh38, chr1:186,187,976, plus strand): 5'-GTGGACCCAATCGCATGTGCTTCAACATGAGAGGAAGCTACCAGTGCATCGATACACCCT[G>A]TCCACCCAACTACCAACGGGATCCTGTTTCAGGGTATGTCTTGCCTTCTCATCCCAGACA-3'
Protein context (NP_114141.2, residues 5493-5513): RGSYQCIDTP[Cys5503Tyr]PPNYQRDPVS